The following is an entry in ClinVar:

NM_003235.5(TG):c.132G>A (p.Lys44=)

Gene: TG (thyroglobulin; plus strand). Cytogenetic location: 8q24.22.
Variant type: single nucleotide variant.
Coding change: c.132G>A on transcript NM_003235.5 (MANE Select); coding-DNA position 132, G replaced by A.
Protein change: p.Lys44=; no amino-acid change (lysine 44 retained).
Molecular consequence: synonymous variant.
Genome position (GRCh38, 1-based): chr8:132,868,179, G>A. VCF-style: chr8-132868179-G-A. GRCh37 (hg19) VCF-style: chr8-133880424-G-A.
Other names: c.132G>A (NM_003235.4).
Identifiers: ClinVar variation 2895237 (VCV002895237.5), dbSNP rs764500807, ClinGen allele CA4882799.

ClinVar aggregate classification (germline): Likely benign. Review status: criteria provided, single submitter (1 of 4 stars). 2 submissions from 2 submitters: Likely benign (1). 1 of the submissions does not count toward it. Last evaluated 2023-12-19.

Conditions:
TG-related disorder. Also called: TG-related disorders; TG-related condition.

Allele frequency attached by ClinVar (database versions not stated): gnomAD exomes below 0.00001; ExAC 0.00001; gnomAD 0.00002.
gnomAD v4.1: 11 of 1,614,020 alleles (0.00068%); highest among the groups gnomAD compares: Admixed American, 0.0067%; no homozygotes.

Submissions (2):

Labcorp Genetics (formerly Invitae), Labcorp
Classification: Likely benign. Last evaluated: 2023-12-19. Review status: criteria provided, single submitter. Criteria: Invitae Variant Classification Sherloc (09022015). Collection method: clinical testing. Allele origin: germline.

PreventionGenetics, part of Exact Sciences
Classification: Likely benign for TG-related condition. Last evaluated: 2022-03-09. Review status: no assertion criteria provided. Collection method: clinical testing. Allele origin: germline. Not counted in ClinVar's aggregate classification.
Comment: This variant is classified as likely benign based on ACMG/AMP sequence variant interpretation guidelines (Richards et al. 2015 PMID: 25741868, with internal and published modifications).